The following is an entry in ClinVar:

NM_014874.4(MFN2):c.1327G>A (p.Val443Ile)

Gene: MFN2 (mitofusin 2; plus strand). Cytogenetic location: 1p36.22.
Variant type: single nucleotide variant.
Coding change: c.1327G>A on transcript NM_014874.4 (MANE Select); coding-DNA position 1327, G replaced by A.
Protein change: p.Val443Ile; replaces valine 443 with isoleucine.
Molecular consequence: missense variant.
Genome position (GRCh38, 1-based): chr1:12,004,548, G>A. VCF-style: chr1-12004548-G-A. GRCh37 (hg19) VCF-style: chr1-12064605-G-A.
Other names: c.1327G>A, p.Val443Ile (NM_001127660.2); short protein forms V443I.
Identifiers: ClinVar variation 957600 (VCV000957600.11), dbSNP rs780450613, ClinGen allele CA599091.

ClinVar aggregate classification (germline): Uncertain significance. Review status: criteria provided, multiple submitters, no conflicts (2 of 4 stars). 4 submissions from 4 submitters: Uncertain significance (4). Last evaluated 2025-12-03.

Conditions:
Inborn genetic diseases. Identifiers: MedGen C0950123, MeSH D030342.
Charcot-Marie-Tooth disease type 2. Also called: Charcot-Marie-Tooth type 2. Identifiers: Orphanet 64746, MedGen C0270914, MONDO:0018993.

Allele frequency attached by ClinVar (database versions not stated): TOPMed 0.00001; ExAC 0.00002.
gnomAD v4.1: 11 of 1,614,054 alleles (0.00068%); highest among the groups gnomAD compares: African/African-American, 0.0093%; no homozygotes.

Submissions (4):

Women's Health and Genetics/Laboratory Corporation of America, LabCorp
Classification: Uncertain significance. Last evaluated: 2025-12-03. Review status: criteria provided, single submitter. Criteria: LabCorp Variant Classification Summary - May 2015. Collection method: clinical testing. Allele origin: germline.
Comment: Variant summary: MFN2 c.1327G>A (p.Val443Ile) results in a conservative amino acid change in the encoded protein sequence. Algorithms developed to predict the effect of missense changes on protein structure and function are either unavailable or do not agree on the potential impact of this missense change. The variant allele was found at a frequency of 1.2e-05 in 251496 control chromosomes. The available data on variant occurrences in the general population are insufficient to allow any conclusion about variant significance. To our knowledge, no occurrence of c.1327G>A in individuals affected with MFN2-related conditions and no experimental evidence demonstrating its impact on protein function have been reported. The following publication has been ascertained in the context of this evaluation (PMID: 37910431). ClinVar contains an entry for this variant (Variation ID: 957600). Based on the evidence outlined above, the variant was classified as uncertain significance.

Labcorp Genetics (formerly Invitae), Labcorp
Classification: Uncertain significance for Charcot-Marie-Tooth disease type 2. Last evaluated: 2022-11-22. Review status: criteria provided, single submitter. Criteria: Invitae Variant Classification Sherloc (09022015). Collection method: clinical testing. Allele origin: germline.
Comment: In summary, the available evidence is currently insufficient to determine the role of this variant in disease. Therefore, it has been classified as a Variant of Uncertain Significance. Advanced modeling of protein sequence and biophysical properties (such as structural, functional, and spatial information, amino acid conservation, physicochemical variation, residue mobility, and thermodynamic stability) performed at Invitae indicates that this missense variant is expected to disrupt MFN2 protein function. ClinVar contains an entry for this variant (Variation ID: 957600). This variant has not been reported in the literature in individuals affected with MFN2-related conditions. This variant is present in population databases (rs780450613, gnomAD 0.008%). This sequence change replaces valine, which is neutral and non-polar, with isoleucine, which is neutral and non-polar, at codon 443 of the MFN2 protein (p.Val443Ile).

Blueprint Genetics
Classification: Uncertain significance. Last evaluated: 2022-03-08. Review status: criteria provided, single submitter. Criteria: ACMG Guidelines, 2015. Collection method: clinical testing. Allele origin: germline.

Ambry Genetics
Classification: Uncertain significance for Inborn genetic diseases. Last evaluated: 2021-02-18. Review status: criteria provided, single submitter. Criteria: Ambry Variant Classification Scheme 2023. Collection method: clinical testing. Allele origin: germline.
Comment: The p.V443I variant (also known as c.1327G>A), located in coding exon 11 of the MFN2 gene, results from a G to A substitution at nucleotide position 1327. The valine at codon 443 is replaced by isoleucine, an amino acid with highly similar properties. This amino acid position is highly conserved in available vertebrate species. In addition, this alteration is predicted to be tolerated by in silico analysis. Based on the supporting evidence, this variant is unlikely to be causative of autosomal dominant MFN2-related neuropathy; however, its contribution to the development of autosomal recessive MFN2-related neuropathy is uncertain.

Literature cited by the submitters: PubMed 37910431 (cited by Women's Health and Genetics/Laboratory Corporation of America, LabCorp).